The following is an entry in ClinVar:

ClinVar aggregate classification (germline): Uncertain significance (1 of 4 stars; one submission).

Conditions:
Glucose-6-phosphate transport defect (GSD1B). Also called: Glycogen Storage Disease Type Ib; GSD Ib. Identifiers: Orphanet 364, Orphanet 79259, MedGen C0268146, MONDO:0009288, OMIM 232220.

Submission:

Labcorp Genetics (formerly Invitae), Labcorp
Classification: Uncertain significance for Glucose-6-phosphate transport defect. Last evaluated: 2023-08-27. Review status: criteria provided, single submitter. Criteria: Invitae Variant Classification Sherloc (09022015). Collection method: clinical testing. Allele origin: germline.
Comment: Advanced modeling of protein sequence and biophysical properties (such as structural, functional, and spatial information, amino acid conservation, physicochemical variation, residue mobility, and thermodynamic stability) performed at Invitae indicates that this missense variant is expected to disrupt SLC37A4 protein function. This sequence change replaces methionine, which is neutral and non-polar, with arginine, which is basic and polar, at codon 315 of the SLC37A4 protein (p.Met315Arg). This variant is not present in population databases (gnomAD no frequency). This variant has not been reported in the literature in individuals affected with SLC37A4-related conditions. Algorithms developed to predict the effect of sequence changes on RNA splicing suggest that this variant may create or strengthen a splice site. In summary, the available evidence is currently insufficient to determine the role of this variant in disease. Therefore, it has been classified as a Variant of Uncertain Significance.

NM_001164277.2(SLC37A4):c.944T>G (p.Met315Arg)

Gene: SLC37A4 (solute carrier family 37 member 4; minus strand). Cytogenetic location: 11q23.3.
Variant type: single nucleotide variant.
Coding change: c.944T>G on transcript NM_001164277.2 (MANE Select); coding-DNA position 944, T replaced by G.
Protein change: p.Met315Arg; replaces methionine 315 with arginine.
Molecular consequence: missense variant.
Genome position (GRCh38, 1-based): chr11:119,026,007, A>C on the plus strand (T>G on the coding strand, the complement: SLC37A4 is on the minus strand). VCF-style: chr11-119026007-A-C. GRCh37 (hg19) VCF-style: chr11-118896717-A-C.
Other names: c.944T>G, p.Met315Arg (NM_001164278.2, NM_001164280.2, NM_001467.6); c.725T>G, p.Met242Arg (NM_001164279.2); short protein forms M242R, M315R.
Identifiers: ClinVar variation 3021350 (VCV003021350.3), dbSNP rs781834870, ClinGen allele CA382897483.
Genomic context (GRCh38, chr11:119,026,007, plus strand): 5'-GCCAGGCCTTTCTTAATTACCTTGGGGGAGTCACTGGTCACTGTTACCCGGAAGAGGTAC[A>C]TGGACACTGTCATGCCAGCCATCATGAACAGCAACAGGCCATGGCGAGGGTTCCCGTAGT-3'
Protein context (NP_001157749.1, residues 305-325): LFMMAGMTVS[Met315Arg]YLFRVTVTSD